The following is an entry in ClinVar:

ClinVar aggregate classification (germline): Uncertain significance (1 of 4 stars; one submission).

Conditions:
POLD1-related polyposis and colorectal cancer syndrome (CRCS10). Also called: COLORECTAL CANCER, SUSCEPTIBILITY TO, ON CHROMOSOME 19q; Colorectal cancer 10; Colorectal cancer, susceptibility to, 10. Identifiers: Orphanet 220460, MedGen C2675481, MONDO:0012953, OMIM 612591.

Allele frequency attached by ClinVar (database versions not stated): gnomAD exomes below 0.00001.
gnomAD v4.1: 3 of 1,612,846 alleles (0.00019%); highest among the groups gnomAD compares: Non-Finnish European, 0.00025%; no homozygotes.

Submission:

Labcorp Genetics (formerly Invitae), Labcorp
Classification: Uncertain significance for POLD1-related polyposis and colorectal cancer syndrome. Last evaluated: 2023-10-22. Review status: criteria provided, single submitter. Criteria: Invitae Variant Classification Sherloc (09022015). Collection method: clinical testing. Allele origin: germline.
Comment: This sequence change replaces proline, which is neutral and non-polar, with serine, which is neutral and polar, at codon 112 of the POLD1 protein (p.Pro112Ser). The frequency data for this variant in the population databases is considered unreliable, as metrics indicate poor data quality at this position in the gnomAD database. This variant has not been reported in the literature in individuals affected with POLD1-related conditions. ClinVar contains an entry for this variant (Variation ID: 239343). An algorithm developed to predict the effect of missense changes on protein structure and function (PolyPhen-2) suggests that this variant is likely to be tolerated. In summary, the available evidence is currently insufficient to determine the role of this variant in disease. Therefore, it has been classified as a Variant of Uncertain Significance.

NM_002691.4(POLD1):c.334C>T (p.Pro112Ser)

Gene: POLD1 (DNA polymerase delta 1, catalytic subunit; plus strand). Cytogenetic location: 19q13.33.
Variant type: single nucleotide variant.
Coding change: c.334C>T on transcript NM_002691.4 (MANE Select); coding-DNA position 334, C replaced by T.
Protein change: p.Pro112Ser; replaces proline 112 with serine.
Molecular consequence: missense variant. On other transcripts: non-coding transcript variant (1).
Genome position (GRCh38, 1-based): chr19:50,401,795, C>T. VCF-style: chr19-50401795-C-T. GRCh37 (hg19) VCF-style: chr19-50905052-C-T.
Other names: c.334C>T, p.Pro112Ser (NM_001256849.1, NM_001308632.1); short protein forms P112S.
Identifiers: ClinVar variation 239343 (VCV000239343.8), dbSNP rs878854553, ClinGen allele CA10583814.